The following is an entry in ClinVar:

NM_025099.6(CTC1):c.1774_1784dup (p.Cys596fs)

Gene: CTC1 (CST telomere replication complex component 1; minus strand). Cytogenetic location: 17p13.1.
Variant type: Duplication.
Coding change: c.1774_1784dup on transcript NM_025099.6 (MANE Select); coding-DNA positions 1774 to 1784, 11 bases duplicated (TGGTCCTGGCT).
Protein change: p.Cys596fs; shifts the reading frame from cysteine 596.
Molecular consequence: frameshift variant. On other transcripts: non-coding transcript variant (1).
Genome position (GRCh38, 1-based): chr17:8,234,489-8,234,499, AGCCAGGACCA duplicated on the plus strand (TGGTCCTGGCT on the coding strand, the reverse complement: CTC1 is on the minus strand); duplicating any 11 consecutive bases within chr17:8,234,489-8,234,506 gives the same sequence; the c. name uses the placement nearest the transcript's 3' end. VCF-style (leftmost placement, unchanged base first): chr17-8234488-G-GAGCCAGGACCA. GRCh37 (hg19) VCF-style: chr17-8137806-G-GAGCCAGGACCA.
Other names: c.1767_1777dup, p.Cys596Glyfs (NM_001411067.1); short protein forms C596fs.
Identifiers: ClinVar variation 2096265 (VCV002096265.4), dbSNP rs2507917271, ClinGen allele CA2580094973.

ClinVar aggregate classification (germline): Pathogenic (1 of 4 stars; one submission).

Conditions:
Dyskeratosis congenita. Identifiers: Orphanet 1775, MedGen C0265965, MONDO:0015780.

Submission:

Labcorp Genetics (formerly Invitae), Labcorp
Classification: Pathogenic for Dyskeratosis congenita. Last evaluated: 2022-02-10. Review status: criteria provided, single submitter. Criteria: Invitae Variant Classification Sherloc (09022015). Collection method: clinical testing. Allele origin: germline.
Comment: This sequence change creates a premature translational stop signal (p.Cys596Glyfs*56) in the CTC1 gene. It is expected to result in an absent or disrupted protein product. Loss-of-function variants in CTC1 are known to be pathogenic (PMID: 22267198, 22387016). This variant is not present in population databases (gnomAD no frequency). This variant has not been reported in the literature in individuals affected with CTC1-related conditions. For these reasons, this variant has been classified as Pathogenic.

Literature cited by the submitters: PubMed 22267198; PubMed 22387016.